The following is an entry in ClinVar:

ClinVar aggregate classification (germline): Pathogenic (1 of 4 stars; one submission).

Conditions:
Hereditary breast ovarian cancer syndrome. Also called: Hereditary breast and ovarian cancer syndrome (HBOC); Breast and ovarian cancer; Hereditary breast and ovarian cancer; Hereditary breast and ovarian cancer syndrome; BRCA1- and BRCA2-Associated Hereditary Breast and Ovarian Cancer; Hereditary breast and/or ovarian cancer syndrome. Identifiers: Orphanet 145, MedGen C0677776, MeSH D061325, MONDO:0003582. Disease mechanism: loss of function.

Submission:

Labcorp Genetics (formerly Invitae), Labcorp
Classification: Pathogenic for Hereditary breast ovarian cancer syndrome. Last evaluated: 2023-11-08. Review status: criteria provided, single submitter. Criteria: Invitae Variant Classification Sherloc (09022015). Collection method: clinical testing. Allele origin: germline.
Comment: This sequence change creates a premature translational stop signal (p.Ser123Phefs*19) in the BRCA1 gene. It is expected to result in an absent or disrupted protein product. Loss-of-function variants in BRCA1 are known to be pathogenic (PMID: 20104584). This variant is not present in population databases (gnomAD no frequency). This variant has not been reported in the literature in individuals affected with BRCA1-related conditions. For these reasons, this variant has been classified as Pathogenic.

Literature cited by the submitters: PubMed 20104584.

NM_007294.4(BRCA1):c.367dup (p.Ser123fs)

Gene: BRCA1 (BRCA1 DNA repair associated; minus strand). Cytogenetic location: 17q21.31.
Variant type: Duplication.
Coding change: c.367dup on transcript NM_007294.4 (MANE Select); coding-DNA position 367, one base duplicated (T; older notation c.367dupT).
Protein change: p.Ser123fs; shifts the reading frame from serine 123.
Molecular consequence: frameshift variant. On other transcripts: 5 prime UTR variant (7), intron variant (2).
Genome position (GRCh38, 1-based): chr17:43,104,196, A duplicated on the plus strand (T on the coding strand, the reverse complement: BRCA1 is on the minus strand); the first of 3 consecutive A bases (chr17:43,104,196-43,104,198); duplicating any one gives the same sequence. VCF-style (leftmost placement, unchanged base first): chr17-43104195-G-GA. GRCh37 (hg19) VCF-style: chr17-41256212-G-GA.
Other names: c.367dup, p.Ser123fs (NM_001408431.1, NM_001408432.1, NM_001408433.1 and 164 more transcripts); c.235dup, p.Ser79fs (NM_001408451.1); c.226dup, p.Ser76fs (NM_001408452.1, NM_001408453.1, NM_001408454.1 and 99 more transcripts); c.289dup, p.Ser97fs (NM_001408474.1, NM_001408475.1, NM_001408476.1 and 21 more transcripts); c.157dup, p.Ser53fs (NM_001408478.1, NM_001408479.1, NM_001408480.1 and 58 more transcripts); c.-15dup (NM_001408510.1, NM_001408512.1, NM_001407959.1 and 4 more transcripts); c.365dup, p.Ser123Phefs (NM_007304.2); c.-218-9336dup (NM_001407967.1, NM_001407966.1); and 1 more; short protein forms S120fs, S53fs, S123fs, S76fs, S79fs, S97fs.
Identifiers: ClinVar variation 2694354 (VCV002694354.3), dbSNP rs2552251752, ClinGen allele CA2697559889.